The following is an entry in ClinVar:

NM_004360.5(CDH1):c.1736G>A (p.Gly579Glu)

Gene: CDH1 (cadherin 1; plus strand). Cytogenetic location: 16q22.1.
Variant type: single nucleotide variant.
Coding change: c.1736G>A on transcript NM_004360.5 (MANE Select); coding-DNA position 1736, G replaced by A.
Protein change: p.Gly579Glu; replaces glycine 579 with glutamic acid.
Molecular consequence: missense variant. On other transcripts: 5 prime UTR variant (1).
Genome position (GRCh38, 1-based): chr16:68,822,025, G>A. VCF-style: chr16-68822025-G-A. GRCh37 (hg19) VCF-style: chr16-68855928-G-A.
Other names: c.1553G>A, p.Gly518Glu (NM_001317184.2); c.188G>A, p.Gly63Glu (NM_001317185.2); c.-230G>A (NM_001317186.2); c.1736G>A (LRG_301t1); short protein forms G518E, G579E, G63E.
Identifiers: ClinVar variation 662017 (VCV000662017.11), dbSNP rs1596963374, ClinGen allele CA396466345.

ClinVar aggregate classification (germline): Uncertain significance. Review status: criteria provided, multiple submitters, no conflicts (2 of 4 stars). 2 submissions from 2 submitters: Uncertain significance (2). Last evaluated 2024-01-25.

Conditions:
Hereditary cancer-predisposing syndrome. Also called: Neoplastic Syndromes, Hereditary; Hereditary neoplastic syndrome; Tumor predisposition; Hereditary Cancer Syndrome. Identifiers: Orphanet 140162, MedGen C0027672, MeSH D009386, MONDO:0015356.
Hereditary diffuse gastric adenocarcinoma (HDGC). Also called: DIFFUSE GASTRIC AND LOBULAR BREAST CANCER SYNDROME. Identifiers: Orphanet 26106, MedGen C1708349, MONDO:0007648, OMIM 137215.

Submissions (2):

Ambry Genetics
Classification: Uncertain significance for Hereditary cancer-predisposing syndrome. Last evaluated: 2024-01-25. Review status: criteria provided, single submitter. Criteria: Ambry Variant Classification Scheme 2023. Collection method: clinical testing. Allele origin: germline.
Comment: The p.G579E variant (also known as c.1736G>A), located in coding exon 12 of the CDH1 gene, results from a G to A substitution at nucleotide position 1736. The glycine at codon 579 is replaced by glutamic acid, an amino acid with similar properties. This amino acid position is highly conserved in available vertebrate species. In addition, this alteration is predicted to be deleterious by in silico analysis. Since supporting evidence is limited at this time, the clinical significance of this alteration remains unclear.

Labcorp Genetics (formerly Invitae), Labcorp
Classification: Uncertain significance for Hereditary diffuse gastric adenocarcinoma. Last evaluated: 2018-10-06. Review status: criteria provided, single submitter. Criteria: Invitae Variant Classification Sherloc (09022015). Collection method: clinical testing. Allele origin: germline.
Comment: In summary, the available evidence is currently insufficient to determine the role of this variant in disease. Therefore, it has been classified as a Variant of Uncertain Significance. This sequence change replaces glycine with glutamic acid at codon 579 of the CDH1 protein (p.Gly579Glu). The glycine residue is highly conserved and there is a moderate physicochemical difference between glycine and glutamic acid. This variant is not present in population databases (ExAC no frequency). This variant has not been reported in the literature in individuals with CDH1-related disease. Algorithms developed to predict the effect of missense changes on protein structure and function (SIFT, PolyPhen-2, Align-GVGD) all suggest that this variant is likely to be disruptive, but these predictions have not been confirmed by published functional studies and their clinical significance is uncertain.